The following is an entry in ClinVar:

NM_000553.6(WRN):c.2606C>T (p.Ala869Val)

Gene: WRN (WRN RecQ like helicase; plus strand). Cytogenetic location: 8p12.
Variant type: single nucleotide variant.
Coding change: c.2606C>T on transcript NM_000553.6 (MANE Select); coding-DNA position 2606, C replaced by T.
Protein change: p.Ala869Val; replaces alanine 869 with valine.
Molecular consequence: missense variant.
Genome position (GRCh38, 1-based): chr8:31,120,400, C>T. VCF-style: chr8-31120400-C-T. GRCh37 (hg19) VCF-style: chr8-30977916-C-T.
Other names: short protein forms A869V.
Identifiers: ClinVar variation 657000 (VCV000657000.5), dbSNP rs911130133, ClinGen allele CA370915756.

ClinVar aggregate classification (germline): Uncertain significance. Review status: criteria provided, multiple submitters, no conflicts (2 of 4 stars). 2 submissions from 2 submitters: Uncertain significance (2). Last evaluated 2025-07-31.

Conditions:
Werner syndrome (WRN). Identifiers: Orphanet 902, MedGen C0043119, MONDO:0010196, OMIM 277700.
Inborn genetic diseases. Identifiers: MedGen C0950123, MeSH D030342.

Allele frequency attached by ClinVar (database versions not stated): gnomAD exomes below 0.00001; gnomAD 0.00001 and 0.00002; TOPMed 0.00001.
gnomAD v4.1: 5 of 1,612,446 alleles (0.00031%); highest among the groups gnomAD compares: African/African-American, 0.0067%; no homozygotes.

Submissions (2):

Labcorp Genetics (formerly Invitae), Labcorp
Classification: Uncertain significance for Werner syndrome. Last evaluated: 2025-07-31. Review status: criteria provided, single submitter. Criteria: Invitae Variant Classification Sherloc (09022015). Collection method: clinical testing. Allele origin: germline.
Comment: This sequence change replaces alanine, which is neutral and non-polar, with valine, which is neutral and non-polar, at codon 869 of the WRN protein (p.Ala869Val). This variant is present in population databases (no rsID available, gnomAD 0.008%). This variant has not been reported in the literature in individuals affected with WRN-related conditions. ClinVar contains an entry for this variant (Variation ID: 657000). An algorithm developed to predict the effect of missense changes on protein structure and function (PolyPhen-2) suggests that this variant is likely to be tolerated. In summary, the available evidence is currently insufficient to determine the role of this variant in disease. Therefore, it has been classified as a Variant of Uncertain Significance.

Ambry Genetics
Classification: Uncertain significance for Inborn genetic diseases. Last evaluated: 2025-02-24. Review status: criteria provided, single submitter. Criteria: Ambry Variant Classification Scheme 2023. Collection method: clinical testing. Allele origin: germline.